The following is an entry in ClinVar:

ClinVar aggregate classification (germline): Uncertain significance (1 of 4 stars; one submission).

Conditions:
Long QT syndrome (LQTS). Identifiers: MedGen C0023976, MeSH D008133, MONDO:0002442. Disease mechanism: loss of function. Inheritance: Various modes of inheritance.

Submission:

Labcorp Genetics (formerly Invitae), Labcorp
Classification: Uncertain significance for Long QT syndrome. Last evaluated: 2022-05-22. Review status: criteria provided, single submitter. Criteria: Invitae Variant Classification Sherloc (09022015). Collection method: clinical testing. Allele origin: germline.
Comment: In summary, the available evidence is currently insufficient to determine the role of this variant in disease. Therefore, it has been classified as a Variant of Uncertain Significance. Algorithms developed to predict the effect of missense changes on protein structure and function (SIFT, PolyPhen-2, Align-GVGD) all suggest that this variant is likely to be tolerated. This variant has not been reported in the literature in individuals affected with CACNA1C-related conditions. This variant is not present in population databases (gnomAD no frequency). This sequence change replaces glutamine, which is neutral and polar, with arginine, which is basic and polar, at codon 1862 of the CACNA1C protein (p.Gln1862Arg).

NM_000719.7(CACNA1C):c.5585A>G (p.Gln1862Arg)

Genes: CACNA1C (calcium voltage-gated channel subunit alpha1 C; plus strand), CACNA1C-AS1 (CACNA1C antisense RNA 1; minus strand). Cytogenetic location: 12p13.33.
Variant type: single nucleotide variant.
Coding change: c.5585A>G on transcript NM_000719.7 (MANE Select); coding-DNA position 5585, A replaced by G.
Protein change: p.Gln1862Arg; replaces glutamine 1862 with arginine.
Molecular consequence: missense variant.
Genome position (GRCh38, 1-based): chr12:2,685,747, A>G. VCF-style: chr12-2685747-A-G. GRCh37 (hg19) VCF-style: chr12-2794913-A-G.
Other names: c.5729A>G, p.Gln1910Arg (NM_001129827.2); c.5708A>G, p.Gln1903Arg (NM_001129829.2); c.5690A>G, p.Gln1897Arg (NM_001129830.3, NM_001167624.3); c.5669A>G, p.Gln1890Arg (NM_001129831.2); c.5645A>G, p.Gln1882Arg (NM_001129832.2); c.5642A>G, p.Gln1881Arg (NM_001129833.2, NM_001129834.2, NM_001129835.2); c.5636A>G, p.Gln1879Arg (NM_001129836.2); c.5609A>G, p.Gln1870Arg (NM_001129837.2, NM_001129838.2); and 6 more; short protein forms Q1851R, Q1868R, Q1879R, Q1859R, Q1897R, Q1903R, Q1922R, Q1890R.
Identifiers: ClinVar variation 1997876 (VCV001997876.4), dbSNP rs2534148967, ClinGen allele CA383381831.
Genomic context (GRCh38, chr12:2,685,747, plus strand): 5'-GGCCACTTCTCAGCCTCCAGGAACAAGCCCCATGAGCTCTCTGTTCCAGGCTCTCCTACC[A>G]GGATGACGAAAATCGGCAACTGACGCTCCCAGAGGAGGACAAGAGGGACATCCGGCAATC-3'
Protein context (NP_000710.5, residues 1852-1872): SLLSTEMLSY[Gln1862Arg]DDENRQLTLP